The following is an entry in ClinVar:

NM_001917.5(DAO):c.1039C>T (p.Leu347Phe)

Gene: DAO (D-amino acid oxidase; plus strand). Cytogenetic location: 12q24.11.
Variant type: single nucleotide variant.
Coding change: c.1039C>T on transcript NM_001917.5 (MANE Select); coding-DNA position 1039, C replaced by T.
Protein change: p.Leu347Phe; replaces leucine 347 with phenylalanine.
Molecular consequence: missense variant. On other transcripts: 3 prime UTR variant (1).
Genome position (GRCh38, 1-based): chr12:108,900,530, C>T. VCF-style: chr12-108900530-C-T. GRCh37 (hg19) VCF-style: chr12-109294306-C-T.
Other names: c.1039C>T, p.Leu347Phe (NM_001413634.1); c.*165C>T (NM_001413635.1); short protein forms L347F.
Identifiers: ClinVar variation 3353922 (VCV003353922.1).

ClinVar aggregate classification (germline): Uncertain significance (0 of 4 stars; one submission).

Conditions:
DAO-related disorder. Also called: DAO-related condition.

gnomAD v4.1: 1 of 1,613,992 alleles (0.000062%); highest among the groups gnomAD compares: South Asian, 0.0011%; no homozygotes.

Submission:

PreventionGenetics, part of Exact Sciences
Classification: Uncertain significance for DAO-related condition. Last evaluated: 2024-02-12. Review status: no assertion criteria provided. Collection method: clinical testing. Allele origin: germline.
Comment: The DAO c.1039C>T variant is predicted to result in the amino acid substitution p.Leu347Phe. To our knowledge, this variant has not been reported in the literature or in a large population database, indicating this variant is rare. At this time, the clinical significance of this variant is uncertain due to the absence of conclusive functional and genetic evidence.